The following is an entry in ClinVar:

ClinVar aggregate classification (germline): Uncertain significance (1 of 4 stars; one submission).

Submission:

Labcorp Genetics (formerly Invitae), Labcorp
Classification: Uncertain significance. Last evaluated: 2025-11-21. Review status: criteria provided, single submitter. Criteria: Invitae Variant Classification Sherloc (09022015). Collection method: clinical testing. Allele origin: germline.
Comment: This sequence change falls in intron 3 of the ERCC5 gene. It does not directly change the encoded amino acid sequence of the ERCC5 protein. This variant is not present in population databases (gnomAD no frequency). This variant has not been reported in the literature in individuals affected with ERCC5-related conditions. Algorithms developed to predict the effect of sequence changes on RNA splicing suggest that this variant may disrupt the consensus splice site. In summary, the available evidence is currently insufficient to determine the role of this variant in disease. Therefore, it has been classified as a Variant of Uncertain Significance.

NM_000123.4(ERCC5):c.381-20A>C

Genes: BIVM-ERCC5 (BIVM-ERCC5 readthrough; plus strand), ERCC5 (ERCC excision repair 5, endonuclease; plus strand). Cytogenetic location: 13q33.1.
Variant type: single nucleotide variant.
Coding change: c.381-20A>C on transcript NM_000123.4 (MANE Select); 20 bases into the intron before coding-DNA position 381, A replaced by C.
Molecular consequence: intron variant.
Genome position (GRCh38, 1-based): chr13:102,854,268, A>C. VCF-style: chr13-102854268-A-C. GRCh37 (hg19) VCF-style: chr13-103506618-A-C.
Other names: c.1743-20A>C (NM_001204425.2).
Identifiers: ClinVar variation 4772791 (VCV004772791.1).
Genomic context (GRCh38, chr13:102,854,268, plus strand): 5'-GAGAGCAGCCAGGTCAGGTCCCTGTTCACCATCCTGAGCAGGGTCTGCATAATCTGTTTA[A>C]AGATTTGTGTACTTTCCAGAGATGAAGCACTACCCAGTCTTACCCAAGTTCGAAGAGAAA-3'